The following is an entry in ClinVar:

NM_022575.4(VPS16):c.2006C>G (p.Ala669Gly)

Genes: PTPRA (protein tyrosine phosphatase receptor type A; plus strand), VPS16 (VPS16 core subunit of CORVET and HOPS complexes; plus strand). Cytogenetic location: 20p13.
Variant type: single nucleotide variant.
Coding change: c.2006C>G on transcript NM_022575.4 (MANE Select); coding-DNA position 2006, C replaced by G.
Protein change: p.Ala669Gly; replaces alanine 669 with glycine.
Molecular consequence: missense variant. On other transcripts: 5 prime UTR variant (1).
Genome position (GRCh38, 1-based): chr20:2,865,149, C>G. VCF-style: chr20-2865149-C-G. GRCh37 (hg19) VCF-style: chr20-2845795-C-G.
Other names: c.-297C>G (NM_002836.4); c.1574C>G, p.Ala525Gly (NM_080413.3); short protein forms A525G, A669G.
Identifiers: ClinVar variation 5019290 (VCV005019290.2).

ClinVar aggregate classification (germline): Uncertain significance (1 of 4 stars; one submission).

Conditions:
Dystonia 30. Identifiers: MedGen C5543312, MONDO:0025691, OMIM 619291.

gnomAD v4.1: 1 of 1,614,180 alleles (0.000062%); highest among the groups gnomAD compares: East Asian, 0.0022%; no homozygotes.

Submission:

Juno Genomics, Hangzhou Juno Genomics, Inc
Classification: Uncertain significance for Dystonia 30. Review status: criteria provided, single submitter. Criteria: ACMG Guidelines, 2015. Collection method: clinical testing. Allele origin: germline.
Comment: Absent from controls (or at extremely low frequency if recessive) in Genome Aggregation Database.;Multiple lines of computational evidence support a deleterious effect on the gene or gene product.